The following is an entry in ClinVar:

ClinVar aggregate classification (germline): Uncertain significance. Review status: criteria provided, multiple submitters, no conflicts (2 of 4 stars). 2 submissions from 2 submitters: Uncertain significance (2). Last evaluated 2025-09-02.

Conditions:
Hereditary cancer-predisposing syndrome. Also called: Tumor predisposition; Neoplastic Syndromes, Hereditary; Hereditary neoplastic syndrome; Hereditary Cancer Syndrome. Identifiers: Orphanet 140162, MedGen C0027672, MeSH D009386, MONDO:0015356.
Fanconi anemia complementation group O. Also called: RAD51C-Related Fanconi Anemia. Identifiers: Orphanet 84, MedGen C3150653, MONDO:0013248, OMIM 613390.

Submissions (2):

Labcorp Genetics (formerly Invitae), Labcorp
Classification: Uncertain significance for Fanconi anemia complementation group O. Last evaluated: 2025-09-02. Review status: criteria provided, single submitter. Criteria: Invitae Variant Classification Sherloc (09022015). Collection method: clinical testing. Allele origin: germline.
Comment: This sequence change replaces glycine, which is neutral and non-polar, with arginine, which is basic and polar, at codon 306 of the RAD51C protein (p.Gly306Arg). This variant is not present in population databases (gnomAD no frequency). This variant has not been reported in the literature in individuals affected with RAD51C-related conditions. ClinVar contains an entry for this variant (Variation ID: 142808). Invitae Evidence Modeling of protein sequence and biophysical properties (such as structural, functional, and spatial information, amino acid conservation, physicochemical variation, residue mobility, and thermodynamic stability) indicates that this missense variant is expected to disrupt RAD51C protein function with a positive predictive value of 80%. Experimental studies have shown that this missense change affects RAD51C function (PMID: 37253112). In summary, the available evidence is currently insufficient to determine the role of this variant in disease. Therefore, it has been classified as a Variant of Uncertain Significance.

Ambry Genetics
Classification: Uncertain significance for Hereditary cancer-predisposing syndrome. Last evaluated: 2024-01-12. Review status: criteria provided, single submitter. Criteria: Ambry Variant Classification Scheme 2023. Collection method: clinical testing. Allele origin: germline.
Comment: The p.G306R variant (also known as c.916G>A), located in coding exon 7 of the RAD51C gene, results from a G to A substitution at nucleotide position 916. This alteration showed a functionally indeterminant read-out in a homology-directed repair (HDR) assay, RAD51 formation assay, and cisplatin sensitivity assay; it showed a functionally abnormal read-out in a PARP inhibitor sensitivity assay (Hu C et al. Cancer Res, 2023 Aug;83:2557-2571). The glycine at codon 306 is replaced by arginine, an amino acid with dissimilar properties. This amino acid position is highly conserved in available vertebrate species. In addition, this alteration is predicted to be deleterious by in silico analysis. Since supporting evidence is limited at this time, the clinical significance of this alteration remains unclear.

Literature cited by the submitters: PubMed 37253112 (cited by Labcorp Genetics (formerly Invitae), Labcorp and Ambry Genetics).

NM_058216.3(RAD51C):c.916G>A (p.Gly306Arg)

Gene: RAD51C (RAD51 paralog C; plus strand). Cytogenetic location: 17q22.
Variant type: single nucleotide variant.
Coding change: c.916G>A on transcript NM_058216.3 (MANE Select); coding-DNA position 916, G replaced by A.
Protein change: p.Gly306Arg; replaces glycine 306 with arginine.
Molecular consequence: missense variant. On other transcripts: non-coding transcript variant (1).
Genome position (GRCh38, 1-based): chr17:58,724,051, G>A. VCF-style: chr17-58724051-G-A. GRCh37 (hg19) VCF-style: chr17-56801412-G-A.
Other names: short protein forms G306R.
Identifiers: ClinVar variation 142808 (VCV000142808.14), dbSNP rs587782733, ClinGen allele CA169460.